The following is an entry in ClinVar:

ClinVar aggregate classification (germline): Uncertain significance (1 of 4 stars; one submission).

Conditions:
Microcephaly 2, primary, autosomal recessive, with or without cortical malformations. Also called: WDR62 Primary Microcephaly; MICROCEPHALY 2, PRIMARY, AUTOSOMAL RECESSIVE, WITH CORTICAL MALFORMATIONS. Identifiers: Orphanet 2512, MedGen C1858535, MONDO:0011435, OMIM 604317.

Allele frequency attached by ClinVar (database versions not stated): gnomAD 0.00001; gnomAD exomes 0.00001; TOPMed 0.00001.

Submission:

Dr. med. U. Finckh, Human Genetics, Eurofins MVZ
Classification: Uncertain significance for Microcephaly 2, primary, autosomal recessive, with or without cortical malformations. Last evaluated: 2023-01-01. Review status: criteria provided, single submitter. Criteria: ACMG Guidelines, 2015. Collection method: clinical testing. Allele origin: unknown.

NM_001083961.2(WDR62):c.242G>A (p.Gly81Asp)

Gene: WDR62 (WD repeat domain 62; plus strand). Cytogenetic location: 19q13.12.
Variant type: single nucleotide variant.
Coding change: c.242G>A on transcript NM_001083961.2 (MANE Select); coding-DNA position 242, G replaced by A.
Protein change: p.Gly81Asp; replaces glycine 81 with aspartic acid.
Molecular consequence: missense variant.
Genome position (GRCh38, 1-based): chr19:36,058,844, G>A. VCF-style: chr19-36058844-G-A. GRCh37 (hg19) VCF-style: chr19-36549746-G-A.
Other names: c.242G>A, p.Gly81Asp (NM_001411145.1, NM_001411146.1, NM_001411147.1 and 1 more transcripts); short protein forms G81D.
Identifiers: ClinVar variation 2505558 (VCV002505558.1), dbSNP rs1970497438, ClinGen allele CA405425163.